The following is an entry in ClinVar:

ClinVar aggregate classification (germline): Uncertain significance (1 of 4 stars; one submission).

Conditions:
Cataract 23 (CTRCT23). Also called: Cataract 23, multiple types; CATARACT 23, LAMELLAR. Identifiers: Orphanet 91492, MedGen C3808012, MONDO:0012489, OMIM 610425.

Submission:

Labcorp Genetics (formerly Invitae), Labcorp
Classification: Uncertain significance for Cataract 23. Last evaluated: 2023-08-04. Review status: criteria provided, single submitter. Criteria: Invitae Variant Classification Sherloc (09022015). Collection method: clinical testing. Allele origin: germline.
Comment: In summary, the available evidence is currently insufficient to determine the role of this variant in disease. Therefore, it has been classified as a Variant of Uncertain Significance. An algorithm developed to predict the effect of missense changes on protein structure and function (PolyPhen-2) suggests that this variant is likely to be disruptive. ClinVar contains an entry for this variant (Variation ID: 2013236). This variant has not been reported in the literature in individuals affected with CRYBA4-related conditions. This variant is not present in population databases (gnomAD no frequency). This sequence change replaces alanine, which is neutral and non-polar, with serine, which is neutral and polar, at codon 148 of the CRYBA4 protein (p.Ala148Ser).

NM_001886.3(CRYBA4):c.442G>T (p.Ala148Ser)

Gene: CRYBA4 (crystallin beta A4; plus strand). Cytogenetic location: 22q12.1.
Variant type: single nucleotide variant.
Coding change: c.442G>T on transcript NM_001886.3 (MANE Select); coding-DNA position 442, G replaced by T.
Protein change: p.Ala148Ser; replaces alanine 148 with serine.
Molecular consequence: missense variant.
Genome position (GRCh38, 1-based): chr22:26,628,429, G>T. VCF-style: chr22-26628429-G-T. GRCh37 (hg19) VCF-style: chr22-27024393-G-T.
Other names: short protein forms A148S.
Identifiers: ClinVar variation 2013236 (VCV002013236.4), dbSNP rs2517437524, ClinGen allele CA411039809.